The following is an entry in ClinVar:

NM_001171.6(ABCC6):c.336C>A (p.Leu112=)

Gene: ABCC6 (ATP binding cassette subfamily C member 6; minus strand). Cytogenetic location: 16p13.11.
Variant type: single nucleotide variant.
Coding change: c.336C>A on transcript NM_001171.6 (MANE Select); coding-DNA position 336, C replaced by A.
Protein change: p.Leu112=; no amino-acid change (leucine 112 retained).
Molecular consequence: synonymous variant. On other transcripts: 5 prime UTR variant (1), non-coding transcript variant (1).
Genome position (GRCh38, 1-based): chr16:16,219,831, G>T on the plus strand (C>A on the coding strand, the complement: ABCC6 is on the minus strand). VCF-style: chr16-16219831-G-T. GRCh37 (hg19) VCF-style: chr16-16313688-G-T.
Other names: c.-7C>A (NM_001351800.1).
Identifiers: ClinVar variation 382201 (VCV000382201.1), dbSNP rs971059840, ClinGen allele CA16606915.

ClinVar aggregate classification (germline): Likely benign (1 of 4 stars; one submission).

Submission:

GeneDx
Classification: Likely benign. Last evaluated: 2016-05-02. Review status: criteria provided, single submitter. Criteria: GeneDx Variant Classification (06012015). Collection method: clinical testing. Allele origin: germline. Affected: yes.
Comment: This variant is considered likely benign or benign based on one or more of the following criteria: it is a conservative change, it occurs at a poorly conserved position in the protein, it is predicted to be benign by multiple in silico algorithms, and/or has population frequency not consistent with disease.